The following is an entry in ClinVar:

ClinVar aggregate classification (germline): Pathogenic (1 of 4 stars; one submission).

Conditions:
Hereditary angioedema type 1 (HAE1). Identifiers: Orphanet 100050, Orphanet 100051, Orphanet 91378, MedGen C2717906, MONDO:0015053, OMIM 106100.

Submission:

Department of Immunology and Histocompatibility, University of Thessaly
Classification: Pathogenic for Hereditary angioedema type 1. Review status: criteria provided, single submitter. Criteria: ACMG Guidelines, 2015. Collection method: clinical testing. Allele origin: de novo. Affected: yes. Observed: 1 variant allele.
Comment: The c.1012C>T (p.Gln338Ter) variant has been previously reported in association with hereditary angioedema in the literature (Iwamoto et al., 2012; Loules et al., 2018). It causes an interruption of the reading frame by formation of a premature stop codon, which results in a truncated protein. The variant has not been detected in approximately 120000 individuals of the Exome Aggregation Consortium (ExAC) nor in 1000Genome Project, indicating that it is not a common variant. Taking all the above into account and according to ACMG Guidelines (Criteria: PVS1, PS2, PM2, PM4, PP4) the variant is considered pathogenic.

Literature cited by the submitters: PubMed 29753808.

NM_000062.3(SERPING1):c.1012C>T (p.Gln338Ter)

Gene: SERPING1 (serpin family G member 1; plus strand). Cytogenetic location: 11q12.1.
Variant type: single nucleotide variant.
Coding change: c.1012C>T on transcript NM_000062.3 (MANE Select); coding-DNA position 1012, C replaced by T.
Protein change: p.Gln338Ter; replaces glutamine 338 with a stop codon.
Molecular consequence: nonsense.
Genome position (GRCh38, 1-based): chr11:57,606,530, C>T. VCF-style: chr11-57606530-C-T. GRCh37 (hg19) VCF-style: chr11-57374003-C-T.
Other names: c.1012C>T, p.Gln338Ter (NM_001032295.2); short protein forms Q338*.
Identifiers: ClinVar variation 626348 (VCV000626348.2), dbSNP rs1565171906, ClinGen allele CA380700984.